The following is an entry in ClinVar:

NM_004525.3(LRP2):c.2309T>C (p.Ile770Thr)

Gene: LRP2 (LDL receptor related protein 2; minus strand). Cytogenetic location: 2q31.1.
Variant type: single nucleotide variant.
Coding change: c.2309T>C on transcript NM_004525.3 (MANE Select); coding-DNA position 2309, T replaced by C.
Protein change: p.Ile770Thr; replaces isoleucine 770 with threonine.
Molecular consequence: missense variant.
Genome position (GRCh38, 1-based): chr2:169,270,915, A>G on the plus strand (T>C on the coding strand, the complement: LRP2 is on the minus strand). VCF-style: chr2-169270915-A-G. GRCh37 (hg19) VCF-style: chr2-170127425-A-G.
Other names: short protein forms I770T.
Identifiers: ClinVar variation 1008035 (VCV001008035.6), dbSNP rs1683396078, ClinGen allele CA349161426.
Genomic context (GRCh38, chr2:169,270,915, plus strand): 5'-CAGGCAAAACACGCATACACACACACACACACACACAAACCTTTCTCACCTGTGCCATCA[A>G]TCTTTTGCTTAAAAATCATGTGTTTTGACATATCTGAAAAAAAGATAGTGCTGTCCTGGG-3'
Protein context (NP_004516.2, residues 760-780): MSKHMIFKQK[Ile770Thr]DGTGREILAA

ClinVar aggregate classification (germline): Uncertain significance (1 of 4 stars; one submission).

Submission:

Labcorp Genetics (formerly Invitae), Labcorp
Classification: Uncertain significance. Last evaluated: 2021-11-14. Review status: criteria provided, single submitter. Criteria: Invitae Variant Classification Sherloc (09022015). Collection method: clinical testing. Allele origin: germline.
Comment: In summary, the available evidence is currently insufficient to determine the role of this variant in disease. Therefore, it has been classified as a Variant of Uncertain Significance. Advanced modeling of protein sequence and biophysical properties (such as structural, functional, and spatial information, amino acid conservation, physicochemical variation, residue mobility, and thermodynamic stability) performed at Invitae indicates that this missense variant is not expected to disrupt LRP2 protein function. ClinVar contains an entry for this variant (Variation ID: 1008035). This variant has not been reported in the literature in individuals affected with LRP2-related conditions. This variant is not present in population databases (gnomAD no frequency). This sequence change replaces isoleucine, which is neutral and non-polar, with threonine, which is neutral and polar, at codon 770 of the LRP2 protein (p.Ile770Thr).